The following is an entry in ClinVar:

ClinVar aggregate classification (germline): Conflicting classifications of pathogenicity. Review status: criteria provided, conflicting classifications (1 of 4 stars). 3 submissions from 3 submitters: Uncertain significance (1); Benign (1); Likely benign (1). Last evaluated 2025-12-15.

Conditions:
Inborn genetic diseases. Identifiers: MedGen C0950123, MeSH D030342.
46,XY sex reversal 6. Also called: 46,XY GONADAL DYSGENESIS, PARTIAL OR COMPLETE, MAP3K1-RELATED; 46,XY SEX REVERSAL, PARTIAL OR COMPLETE, MAP3K1-RELATED. Identifiers: MedGen C3151064, MONDO:0013410, OMIM 613762.
MAP3K1-related disorder. Also called: MAP3K1-related condition.

Allele frequency attached by ClinVar (database versions not stated): gnomAD exomes 0.00002; TOPMed 0.00003; gnomAD 0.00001.
gnomAD v4.1: 11 of 1,393,610 alleles (0.00079%); highest among the groups gnomAD compares: Admixed American, 0.029%; no homozygotes.

Submissions (3):

Ambry Genetics
Classification: Uncertain significance for Inborn genetic diseases. Last evaluated: 2025-12-15. Review status: criteria provided, single submitter. Criteria: Ambry Variant Classification Scheme 2023. Collection method: clinical testing. Allele origin: germline.

PreventionGenetics, part of Exact Sciences
Classification: Likely benign for MAP3K1-related condition. Last evaluated: 2025-10-20. Review status: criteria provided, single submitter. Criteria: ACMG Guidelines, 2015. Collection method: clinical testing. Allele origin: germline.
Comment: This variant is classified as likely benign based on ACMG/AMP sequence variant interpretation guidelines (Richards et al. 2015 PMID: 25741868, with internal and published modifications).

Labcorp Genetics (formerly Invitae), Labcorp
Classification: Benign for 46,XY sex reversal 6. Last evaluated: 2022-10-04. Review status: criteria provided, single submitter. Criteria: Invitae Variant Classification Sherloc (09022015). Collection method: clinical testing. Allele origin: germline.

NM_005921.2(MAP3K1):c.293C>G (p.Ala98Gly)

Genes: MAP3K1 (mitogen-activated protein kinase kinase kinase 1; plus strand), LOC129993918 (ATAC-STARR-seq lymphoblastoid silent region 16021; plus strand). Cytogenetic location: 5q11.2.
Variant type: single nucleotide variant.
Coding change: c.293C>G on transcript NM_005921.2 (MANE Select); coding-DNA position 293, C replaced by G.
Protein change: p.Ala98Gly; replaces alanine 98 with glycine.
Molecular consequence: missense variant.
Genome position (GRCh38, 1-based): chr5:56,815,866, C>G. VCF-style: chr5-56815866-C-G. GRCh37 (hg19) VCF-style: chr5-56111693-C-G.
Other names: c.293C>G (NM_005921.1); short protein forms A98G.
Identifiers: ClinVar variation 2417555 (VCV002417555.9), dbSNP rs1334509281, ClinGen allele CA359801555.